The following is an entry in ClinVar:

NM_033629.6(TREX1):c.45C>G (p.Ile15Met)

Genes: ATRIP (ATR interacting protein; plus strand), ATRIP-TREX1 (ATRIP-TREX1 readthrough; plus strand), TREX1 (three prime repair exonuclease 1; plus strand). Cytogenetic location: 3p21.31.
Variant type: single nucleotide variant.
Coding change: c.45C>G on transcript NM_033629.6 (MANE Select); coding-DNA position 45, C replaced by G.
Protein change: p.Ile15Met; replaces isoleucine 15 with methionine.
Molecular consequence: missense variant. On other transcripts: non-coding transcript variant (1), 3 prime UTR variant (4).
Genome position (GRCh38, 1-based): chr3:48,466,700, C>G. VCF-style: chr3-48466700-C-G. GRCh37 (hg19) VCF-style: chr3-48508099-C-G.
Other names: c.15C>G, p.Ile5Met (NM_007248.5); c.*1146C>G (NM_001271022.2, NM_001271023.2, NM_032166.4 and 1 more transcripts); short protein forms I15M, I5M.
Identifiers: ClinVar variation 2431032 (VCV002431032.1), dbSNP rs2530033652, ClinGen allele CA352616963.

ClinVar aggregate classification (germline): Uncertain significance (1 of 4 stars; one submission).

Submission:

GeneDx
Classification: Uncertain significance. Last evaluated: 2022-08-19. Review status: criteria provided, single submitter. Criteria: GeneDx Variant Classification Process June 2021. Collection method: clinical testing. Allele origin: germline. Affected: yes.
Comment: Not observed at significant frequency in large population cohorts (gnomAD); In silico analysis supports that this missense variant does not alter protein structure/function; This variant is associated with the following publications: (PMID: 31664448)